The following is an entry in ClinVar:

NM_001297.5(CNGB1):c.1654C>T (p.Arg552Cys)

Gene: CNGB1 (cyclic nucleotide gated channel subunit beta 1; minus strand). Cytogenetic location: 16q21.
Variant type: single nucleotide variant.
Coding change: c.1654C>T on transcript NM_001297.5 (MANE Select); coding-DNA position 1654, C replaced by T.
Protein change: p.Arg552Cys; replaces arginine 552 with cysteine.
Molecular consequence: missense variant.
Genome position (GRCh38, 1-based): chr16:57,920,534, G>A on the plus strand (C>T on the coding strand, the complement: CNGB1 is on the minus strand). VCF-style: chr16-57920534-G-A. GRCh37 (hg19) VCF-style: chr16-57954438-G-A.
Other names: c.1636C>T, p.Arg546Cys (NM_001286130.2); short protein forms R546C, R552C.
Identifiers: ClinVar variation 848553 (VCV000848553.12), dbSNP rs370932519, ClinGen allele CA8083338.

ClinVar aggregate classification (germline): Uncertain significance. Review status: criteria provided, multiple submitters, no conflicts (2 of 4 stars). 6 submissions from 6 submitters: Uncertain significance (6). Last evaluated 2026-08-11.

Conditions:
CNGB1-related disorder. Also called: CNGB1-related condition.
Retinitis pigmentosa 45 (RP45). Identifiers: Orphanet 791, MedGen C3151066, MONDO:0013413, OMIM 613767.
Inborn genetic diseases. Identifiers: MedGen C0950123, MeSH D030342.

Allele frequency attached by ClinVar (database versions not stated): ExAC 0.00002; ESP Exome Variant Server 0.00008; gnomAD 0.00015 and 0.00016; TOPMed 0.00015; 1000 Genomes Project 30x 0.00016; 1000 Genomes Project 0.00020.
gnomAD v4.1: 67 of 1,612,862 alleles (0.0042%); highest among the groups gnomAD compares: African/African-American, 0.023%; no homozygotes.

Submissions (6):

PreventionGenetics, part of Exact Sciences
Classification: Uncertain significance for CNGB1-related condition. Last evaluated: 2026-08-11. Review status: criteria provided, single submitter. Criteria: ACMG Guidelines, 2015. Collection method: clinical testing. Allele origin: germline.
Comment: The CNGB1 c.1654C>T variant is predicted to result in the amino acid substitution p.Arg552Cys. To our knowledge, this variant has not been reported in the literature. This variant is reported in 0.029% of alleles in individuals of African descent in gnomAD. At this time, the clinical significance of this variant is uncertain due to the absence of conclusive functional and genetic evidence.

Ambry Genetics
Classification: Uncertain significance for Inborn genetic diseases. Last evaluated: 2025-04-04. Review status: criteria provided, single submitter. Criteria: Ambry Variant Classification Scheme 2023. Collection method: clinical testing. Allele origin: germline.

Labcorp Genetics (formerly Invitae), Labcorp
Classification: Uncertain significance. Last evaluated: 2022-10-13. Review status: criteria provided, single submitter. Criteria: Invitae Variant Classification Sherloc (09022015). Collection method: clinical testing. Allele origin: germline.
Comment: This sequence change replaces arginine, which is basic and polar, with cysteine, which is neutral and slightly polar, at codon 552 of the CNGB1 protein (p.Arg552Cys). This variant is present in population databases (rs370932519, gnomAD 0.03%). This variant has not been reported in the literature in individuals affected with CNGB1-related conditions. ClinVar contains an entry for this variant (Variation ID: 848553). Advanced modeling of protein sequence and biophysical properties (such as structural, functional, and spatial information, amino acid conservation, physicochemical variation, residue mobility, and thermodynamic stability) performed at Invitae indicates that this missense variant is not expected to disrupt CNGB1 protein function. In summary, the available evidence is currently insufficient to determine the role of this variant in disease. Therefore, it has been classified as a Variant of Uncertain Significance.

Blueprint Genetics
Classification: Uncertain significance. Last evaluated: 2022-04-28. Review status: criteria provided, single submitter. Criteria: ACMG Guidelines, 2015. Collection method: clinical testing. Allele origin: germline.

Fulgent Genetics
Classification: Uncertain significance for Retinitis pigmentosa 45. Last evaluated: 2021-09-09. Review status: criteria provided, single submitter. Criteria: ACMG Guidelines, 2015. Collection method: clinical testing. Allele origin: unknown.

GeneDx
Classification: Uncertain significance. Last evaluated: 2019-07-23. Review status: criteria provided, single submitter. Criteria: GeneDx Variant Classification Process June 2021. Collection method: clinical testing. Allele origin: germline. Affected: yes.
Comment: In silico analysis, which includes protein predictors and evolutionary conservation, supports a deleterious effect; Has not been previously published as pathogenic or benign to our knowledge